The following is an entry in ClinVar:

NM_016247.4(IMPG2):c.665G>A (p.Ser222Asn)

Gene: IMPG2 (interphotoreceptor matrix proteoglycan 2; minus strand). Cytogenetic location: 3q12.3.
Variant type: single nucleotide variant.
Coding change: c.665G>A on transcript NM_016247.4 (MANE Select); coding-DNA position 665, G replaced by A.
Protein change: p.Ser222Asn; replaces serine 222 with asparagine.
Molecular consequence: missense variant.
Genome position (GRCh38, 1-based): chr3:101,275,664, C>T on the plus strand (G>A on the coding strand, the complement: IMPG2 is on the minus strand). VCF-style: chr3-101275664-C-T. GRCh37 (hg19) VCF-style: chr3-100994508-C-T.
Other names: short protein forms S222N.
Identifiers: ClinVar variation 3630531 (VCV003630531.2).
Genomic context (GRCh38, chr3:101,275,664, plus strand): 5'-CTCTCTTAATCTCTATGTTCCATGTTAGAAACTAACTAACAAAACAGAGCATCACTCACA[C>T]TCTCCTCTGGCCTTTCCAAGCTGCTCTCTGAGGCACCTTCATAGGCGTCCACCTCTGGAT-3'
Protein context (NP_057331.2, residues 212-232): SESSLERPEE[Ser222Asn]ISNEIENVIE

ClinVar aggregate classification (germline): Uncertain significance (1 of 4 stars; one submission).

gnomAD v4.1: 1 of 1,606,490 alleles (0.000062%); highest among the groups gnomAD compares: Non-Finnish European, 0.000085%; no homozygotes.

Submission:

Labcorp Genetics (formerly Invitae), Labcorp
Classification: Uncertain significance. Last evaluated: 2024-03-19. Review status: criteria provided, single submitter. Criteria: Invitae Variant Classification Sherloc (09022015). Collection method: clinical testing. Allele origin: germline.
Comment: This sequence change replaces serine, which is neutral and polar, with asparagine, which is neutral and polar, at codon 222 of the IMPG2 protein (p.Ser222Asn). This variant is not present in population databases (gnomAD no frequency). This variant has not been reported in the literature in individuals affected with IMPG2-related conditions. An algorithm developed to predict the effect of missense changes on protein structure and function (PolyPhen-2) suggests that this variant is likely to be disruptive. In summary, the available evidence is currently insufficient to determine the role of this variant in disease. Therefore, it has been classified as a Variant of Uncertain Significance.